The following is an entry in ClinVar:

ClinVar aggregate classification (germline): Likely benign. Review status: criteria provided, single submitter (1 of 4 stars). 2 submissions from 2 submitters: Likely benign (1). 1 of the submissions does not count toward it. Last evaluated 2023-02-06.

Conditions:
MOGS-related disorder. Also called: MOGS-related condition.
MOGS-congenital disorder of glycosylation. Also called: CDG IIb; GLUCOSIDASE I DEFICIENCY; MOGS-CDG; CDG 2B. Identifiers: Orphanet 79330, MedGen C1853736, MONDO:0011629, OMIM 606056.

Allele frequency attached by ClinVar (database versions not stated): gnomAD exomes below 0.00001; ExAC 0.00001; gnomAD 0.00001; TOPMed 0.00001; 1000 Genomes Project 30x 0.00016; 1000 Genomes Project 0.00020.

Submissions (2):

Labcorp Genetics (formerly Invitae), Labcorp
Classification: Likely benign for MOGS-congenital disorder of glycosylation. Last evaluated: 2023-02-06. Review status: criteria provided, single submitter. Criteria: Invitae Variant Classification Sherloc (09022015). Collection method: clinical testing. Allele origin: germline.

PreventionGenetics, part of Exact Sciences
Classification: Likely benign for MOGS-related condition. Last evaluated: 2020-02-17. Review status: no assertion criteria provided. Collection method: clinical testing. Allele origin: germline. Not counted in ClinVar's aggregate classification.
Comment: This variant is classified as likely benign based on ACMG/AMP sequence variant interpretation guidelines (Richards et al. 2015 PMID: 25741868, with internal and published modifications).

NM_006302.3(MOGS):c.816G>C (p.Leu272=)

Gene: MOGS (mannosyl-oligosaccharide glucosidase; minus strand). Cytogenetic location: 2p13.1.
Variant type: single nucleotide variant.
Coding change: c.816G>C on transcript NM_006302.3 (MANE Select); coding-DNA position 816, G replaced by C.
Protein change: p.Leu272=; no amino-acid change (leucine 272 retained).
Molecular consequence: synonymous variant.
Genome position (GRCh38, 1-based): chr2:74,462,973, C>G on the plus strand (G>C on the coding strand, the complement: MOGS is on the minus strand). VCF-style: chr2-74462973-C-G. GRCh37 (hg19) VCF-style: chr2-74690100-C-G.
Other names: c.498G>C, p.Leu166= (NM_001146158.2); c.816G>C (NM_006302.2).
Identifiers: ClinVar variation 2981847 (VCV002981847.5), dbSNP rs534571839, ClinGen allele CA1724918.